The following is an entry in ClinVar:

NM_001367624.2(ZNF469):c.80C>T (p.Pro27Leu)

Gene: ZNF469 (zinc finger protein 469; plus strand). Cytogenetic location: 16q24.2.
Variant type: single nucleotide variant.
Coding change: c.80C>T on transcript NM_001367624.2 (MANE Select); coding-DNA position 80, C replaced by T.
Protein change: p.Pro27Leu; replaces proline 27 with leucine.
Molecular consequence: missense variant.
Genome position (GRCh38, 1-based): chr16:88,427,550, C>T. VCF-style: chr16-88427550-C-T. GRCh37 (hg19) VCF-style: chr16-88493958-C-T.
Other names: NM_001127464.1:c.80C>T; NM_001127464.2:c.80C>T; short protein forms P27L.
Identifiers: ClinVar variation 393208 (VCV000393208.12), dbSNP rs1009769670, ClinGen allele CA16608299.

ClinVar aggregate classification (germline): Conflicting classifications of pathogenicity. Review status: criteria provided, conflicting classifications (1 of 4 stars). 4 submissions from 4 submitters: Uncertain significance (3); Likely benign (1). Last evaluated 2025-07-11.

Conditions:
Ehlers-Danlos syndrome (EDS). Identifiers: Orphanet 98249, MedGen C0013720, MONDO:0020066.
Cardiovascular phenotype. Identifiers: MedGen CN230736.

Allele frequency attached by ClinVar (database versions not stated): TOPMed 0.00009; gnomAD exomes 0.00005; gnomAD 0.00009; 1000 Genomes Project 30x 0.00016.

Submissions (4):

GeneDx
Classification: Uncertain significance. Last evaluated: 2025-07-11. Review status: criteria provided, single submitter. Criteria: GeneDx Variant Classification Process June 2021. Collection method: clinical testing. Allele origin: germline. Affected: yes.
Comment: Has not been previously published as pathogenic or benign to our knowledge; Not observed at significant frequency in large population cohorts (gnomAD); In silico analysis suggests that this missense variant does not alter protein structure/function

Ambry Genetics
Classification: Likely benign for Cardiovascular phenotype. Last evaluated: 2024-02-28. Review status: criteria provided, single submitter. Criteria: Ambry Variant Classification Scheme 2023. Collection method: clinical testing. Allele origin: germline.

Labcorp Genetics (formerly Invitae), Labcorp
Classification: Uncertain significance. Last evaluated: 2022-08-21. Review status: criteria provided, single submitter. Criteria: Invitae Variant Classification Sherloc (09022015). Collection method: clinical testing. Allele origin: germline.
Comment: This sequence change replaces proline, which is neutral and non-polar, with leucine, which is neutral and non-polar, at codon 27 of the ZNF469 protein (p.Pro27Leu). This variant is present in population databases (no rsID available, gnomAD 0.01%). This variant has not been reported in the literature in individuals affected with ZNF469-related conditions. ClinVar contains an entry for this variant (Variation ID: 393208). Algorithms developed to predict the effect of missense changes on protein structure and function output the following: SIFT: "Tolerated"; PolyPhen-2: "Benign"; Align-GVGD: "Class C0". The leucine amino acid residue is found in multiple mammalian species, which suggests that this missense change does not adversely affect protein function. In summary, the available evidence is currently insufficient to determine the role of this variant in disease. Therefore, it has been classified as a Variant of Uncertain Significance.

Genome Diagnostics Laboratory, The Hospital for Sick Children
Classification: Uncertain significance for Ehlers-Danlos syndrome. Last evaluated: 2021-03-09. Review status: criteria provided, single submitter. Criteria: ACMG Guidelines, 2015. Collection method: clinical testing. Allele origin: germline.